The following is an entry in ClinVar:

ClinVar aggregate classification (germline): Uncertain significance (1 of 4 stars; one submission).

Conditions:
Hereditary cancer-predisposing syndrome. Also called: Tumor predisposition; Neoplastic Syndromes, Hereditary; Hereditary Cancer Syndrome; Hereditary neoplastic syndrome. Identifiers: Orphanet 140162, MedGen C0027672, MeSH D009386, MONDO:0015356.

Submission:

Ambry Genetics
Classification: Uncertain significance for Hereditary cancer-predisposing syndrome. Last evaluated: 2025-03-05. Review status: criteria provided, single submitter. Criteria: Ambry Variant Classification Scheme 2023. Collection method: clinical testing. Allele origin: germline.
Comment: The p.S1371R variant (also known as c.4113T>A), located in coding exon 15 of the APC gene, results from a T to A substitution at nucleotide position 4113. The serine at codon 1371 is replaced by arginine, an amino acid with dissimilar properties. This amino acid position is conserved. In addition, in silico predictors for this gene do not accurately predict pathogenicity. Based on the available evidence, the clinical significance of this variant remains unclear.

NM_000038.6(APC):c.4113T>A (p.Ser1371Arg)

Gene: APC (APC regulator of Wnt signaling pathway; plus strand). Cytogenetic location: 5q22.2.
Variant type: single nucleotide variant.
Coding change: c.4113T>A on transcript NM_000038.6 (MANE Select); coding-DNA position 4113, T replaced by A.
Protein change: p.Ser1371Arg; replaces serine 1371 with arginine.
Molecular consequence: missense variant. On other transcripts: non-coding transcript variant (2).
Genome position (GRCh38, 1-based): chr5:112,839,707, T>A. VCF-style: chr5-112839707-T-A. GRCh37 (hg19) VCF-style: chr5-112175404-T-A.
Other names: c.4113T>A, p.Ser1371Arg (NM_001127510.3, NM_001354895.2, NM_001407450.1); c.4059T>A, p.Ser1353Arg (NM_001127511.3); c.4167T>A, p.Ser1389Arg (NM_001354896.2, NM_001407447.1, NM_001407448.1 and 1 more transcripts); c.4143T>A, p.Ser1381Arg (NM_001354897.2); c.4038T>A, p.Ser1346Arg (NM_001354898.2); c.4029T>A, p.Ser1343Arg (NM_001354899.2); c.3990T>A, p.Ser1330Arg (NM_001354900.2); c.3936T>A, p.Ser1312Arg (NM_001354901.2, NM_001407453.1); and 11 more; short protein forms S1088R, S1280R, S1312R, S1343R, S1353R, S987R, S1288R, S1361R.
Identifiers: ClinVar variation 3882755 (VCV003882755.1).